The following is an entry in ClinVar:

NM_001371395.1(USP53):c.941G>A (p.Trp314Ter)

Gene: USP53 (ubiquitin specific peptidase 53; plus strand). Cytogenetic location: 4q26.
Variant type: single nucleotide variant.
Coding change: c.941G>A on transcript NM_001371395.1 (MANE Select); coding-DNA position 941, G replaced by A.
Protein change: p.Trp314Ter; replaces tryptophan 314 with a stop codon.
Molecular consequence: nonsense. On other transcripts: intron variant (1).
Genome position (GRCh38, 1-based): chr4:119,261,833, G>A. VCF-style: chr4-119261833-G-A. GRCh37 (hg19) VCF-style: chr4-120182988-G-A.
Other names: c.941G>A, p.Trp314Ter (NM_001371396.1, NM_001371397.1, NM_001371398.1 and 5 more transcripts); c.593G>A, p.Trp198Ter (NM_001389662.1, NM_001389663.1, NM_001389664.1 and 3 more transcripts); c.822+1180G>A (NM_001389660.1); short protein forms W198*, W314*.
Identifiers: ClinVar variation 4086184 (VCV004086184.1).

ClinVar aggregate classification (germline): Uncertain significance (1 of 4 stars; one submission).

Conditions:
Cholestasis, progressive familial intrahepatic, 7, with or without hearing loss. Identifiers: MedGen C5562043, MONDO:0030503, OMIM 619658.

Submission:

Neuberg Centre For Genomic Medicine, NCGM
Classification: Uncertain significance for Cholestasis, progressive familial intrahepatic, 7, with or without hearing loss. Review status: criteria provided, single submitter. Criteria: ACMG Guidelines, 2015. Collection method: clinical testing. Allele origin: germline. Inheritance: Autosomal recessive inheritance. Affected: yes.
Comment: The above variant has not been reported previously as a pathogenic variant nor as a benign variant, to our knowledge. Though this variant is predicted to cause loss of normal protein function through protein truncation, loss of function variants have not been previously reported to be disease causing. For these reasons, this variant has been classified as Variant of Uncertain Significance (VUS).